The following is an entry in ClinVar:

ClinVar aggregate classification (germline): Pathogenic. Review status: criteria provided, single submitter (1 of 4 stars). 2 submissions from 2 submitters: Pathogenic (1). 1 of the submissions does not count toward it. Last evaluated 2021-03-01.

Conditions:
Marfan syndrome (MFS). Also called: Marfan syndrome type 1; Marfan syndrome, classic; Marfan's syndrome; FBN1-Related Marfan Syndrome; MARFAN SYNDROME, TYPE I. Identifiers: Orphanet 284963, Orphanet 558, MedGen C0024796, MONDO:0007947, OMIM 154700.

Submissions (2):

Centre of Medical Genetics, University of Antwerp
Classification: Pathogenic for Marfan syndrome. Last evaluated: 2021-03-01. Review status: criteria provided, single submitter. Criteria: Submitter's publication. Collection method: research. Allele origin: unknown. Affected: yes.
Comment: PM2, PVS2, PP4

Center for Medical Genetics Ghent, University of Ghent
Classification: Likely pathogenic for Marfan syndrome. Last evaluated: 2017-11-07. Review status: no assertion criteria provided. Collection method: clinical testing. Allele origin: germline. Affected: yes. Not counted in ClinVar's aggregate classification.

NC_000015.10:g.48452636_48452637delinsAT

Gene: FBN1 (fibrillin 1; minus strand). Cytogenetic location: 15q21.1.
Variant type: Indel.
Genome position: GRCh38 VCF-style: chr15-48452636-CA-AT. GRCh37 (hg19) VCF-style: chr15-48744833-CA-AT.
Other names: c.5470_5471delinsAT, p.Cys1824Ile (LRG_778t1).
Identifiers: ClinVar variation 549278 (VCV000549278.18), dbSNP rs1555396205, ClinGen allele CA658824303.